The following is an entry in ClinVar:

NM_004958.4(MTOR):c.3260G>A (p.Ser1087Asn)

Gene: MTOR (mechanistic target of rapamycin kinase; minus strand). Cytogenetic location: 1p36.22.
Variant type: single nucleotide variant.
Coding change: c.3260G>A on transcript NM_004958.4 (MANE Select); coding-DNA position 3260, G replaced by A.
Protein change: p.Ser1087Asn; replaces serine 1087 with asparagine.
Molecular consequence: missense variant.
Genome position (GRCh38, 1-based): chr1:11,213,424, C>T on the plus strand (G>A on the coding strand, the complement: MTOR is on the minus strand). VCF-style: chr1-11213424-C-T. GRCh37 (hg19) VCF-style: chr1-11273481-C-T.
Other names: c.3260G>A, p.Ser1087Asn (NM_001386500.1); c.2012G>A, p.Ser671Asn (NM_001386501.1); short protein forms S1087N, S671N.
Identifiers: ClinVar variation 1520065 (VCV001520065.8), dbSNP rs1646372009, ClinGen allele CA338374637.

ClinVar aggregate classification (germline): Uncertain significance (1 of 4 stars; one submission).

Allele frequency attached by ClinVar (database versions not stated): gnomAD exomes below 0.00001; gnomAD 0.00001.
gnomAD v4.1: 5 of 1,612,804 alleles (0.00031%); highest among the groups gnomAD compares: Non-Finnish European, 0.00042%; no homozygotes.

Submission:

Labcorp Genetics (formerly Invitae), Labcorp
Classification: Uncertain significance. Last evaluated: 2022-02-10. Review status: criteria provided, single submitter. Criteria: Invitae Variant Classification Sherloc (09022015). Collection method: clinical testing. Allele origin: germline.
Comment: This variant has not been reported in the literature in individuals affected with MTOR-related conditions. In summary, the available evidence is currently insufficient to determine the role of this variant in disease. Therefore, it has been classified as a Variant of Uncertain Significance. Algorithms developed to predict the effect of missense changes on protein structure and function are either unavailable or do not agree on the potential impact of this missense change (SIFT: "Deleterious"; PolyPhen-2: "Probably Damaging"; Align-GVGD: "Class C0"). This variant is not present in population databases (gnomAD no frequency). This sequence change replaces serine, which is neutral and polar, with asparagine, which is neutral and polar, at codon 1087 of the MTOR protein (p.Ser1087Asn).